The following is an entry in ClinVar:

ClinVar aggregate classification (germline): Conflicting classifications of pathogenicity. Review status: criteria provided, conflicting classifications (1 of 4 stars). 3 submissions from 3 submitters: Uncertain significance (2); Likely benign (1). Last evaluated 2024-03-12.

Conditions:
Hereditary cancer-predisposing syndrome. Also called: Neoplastic Syndromes, Hereditary; Hereditary neoplastic syndrome; Tumor predisposition; Hereditary Cancer Syndrome. Identifiers: Orphanet 140162, MedGen C0027672, MeSH D009386, MONDO:0015356.
Hereditary breast ovarian cancer syndrome. Also called: BRCA1- and BRCA2-Associated Hereditary Breast and Ovarian Cancer; Hereditary breast and ovarian cancer syndrome (HBOC); Hereditary breast and ovarian cancer syndrome; Hereditary breast and ovarian cancer; Breast and ovarian cancer; Hereditary breast and/or ovarian cancer syndrome. Identifiers: Orphanet 145, MedGen C0677776, MeSH D061325, MONDO:0003582. Disease mechanism: loss of function.

Submissions (3):

Ambry Genetics
Classification: Uncertain significance for Hereditary cancer-predisposing syndrome. Last evaluated: 2024-03-12. Review status: criteria provided, single submitter. Criteria: Ambry Variant Classification Scheme 2023. Collection method: clinical testing. Allele origin: germline.
Comment: The p.S1097G variant (also known as c.3289A>G), located in coding exon 9 of the BRCA1 gene, results from an A to G substitution at nucleotide position 3289. The serine at codon 1097 is replaced by glycine, an amino acid with similar properties. This amino acid position is not well conserved in available vertebrate species. In addition, the in silico prediction for this alteration is inconclusive. Since supporting evidence is limited at this time, the clinical significance of this alteration remains unclear.

University of Washington Department of Laboratory Medicine, University of Washington
Classification: Likely benign for Hereditary cancer-predisposing syndrome. Last evaluated: 2023-03-23. Review status: criteria provided, single submitter. Criteria: Dines et al. (Genet Med. 2020). Collection method: curation. Allele origin: germline.
Comment: Missense variant in a coldspot region where missense variants are very unlikely to be pathogenic (PMID:31911673).

BRCA1 coldspot (exon 11 using historical exon numbering). Reclassification based on statistical prior probability

Labcorp Genetics (formerly Invitae), Labcorp
Classification: Uncertain significance for Hereditary breast ovarian cancer syndrome. Last evaluated: 2021-11-20. Review status: criteria provided, single submitter. Criteria: Invitae Variant Classification Sherloc (09022015). Collection method: clinical testing. Allele origin: germline.
Comment: In summary, the available evidence is currently insufficient to determine the role of this variant in disease. Therefore, it has been classified as a Variant of Uncertain Significance. This sequence change replaces serine, which is neutral and polar, with glycine, which is neutral and non-polar, at codon 1097 of the BRCA1 protein (p.Ser1097Gly). This variant is not present in population databases (gnomAD no frequency). This variant has not been reported in the literature in individuals affected with BRCA1-related conditions. Advanced modeling of protein sequence and biophysical properties (such as structural, functional, and spatial information, amino acid conservation, physicochemical variation, residue mobility, and thermodynamic stability) performed at Invitae indicates that this missense variant is not expected to disrupt BRCA1 protein function.

NM_007294.4(BRCA1):c.3289A>G (p.Ser1097Gly)

Genes: BRCA1 (BRCA1 DNA repair associated; minus strand), LOC126862571 (BRD4-independent group 4 enhancer GRCh37_chr17:41243136-41244335; plus strand). Cytogenetic location: 17q21.31.
Variant type: single nucleotide variant.
Coding change: c.3289A>G on transcript NM_007294.4 (MANE Select); coding-DNA position 3289, A replaced by G.
Protein change: p.Ser1097Gly; replaces serine 1097 with glycine.
Molecular consequence: missense variant. On other transcripts: intron variant (137).
Genome position (GRCh38, 1-based): chr17:43,092,242, T>C on the plus strand (A>G on the coding strand, the complement: BRCA1 is on the minus strand). VCF-style: chr17-43092242-T-C. GRCh37 (hg19) VCF-style: chr17-41244259-T-C.
Other names: c.2401A>G, p.Ser801Gly (NM_001407967.1, NM_001407966.1); c.3148A>G, p.Ser1050Gly (NM_007297.4, NM_001407692.1, NM_001407694.1 and 29 more transcripts); c.3289A>G, p.Ser1097Gly (NM_007300.4, NM_001407581.1, NM_001407582.1 and 30 more transcripts); c.647-1210A>G (NM_001408458.1, NM_001408469.1, NM_001408453.1 and 11 more transcripts); c.284-1210A>G (NM_001408512.1); c.407-1210A>G (NM_001408510.1); c.644-1210A>G (NM_001408470.1, NM_001408464.1, NM_001408468.1 and 3 more transcripts); c.785-1210A>G (NM_001408397.1, NM_001408401.1, NM_001408396.1 and 13 more transcripts); and 41 more; short protein forms S1050G, S1097G, S1055G, S929G, S1026G, S1030G, S1071G, S801G.
Identifiers: ClinVar variation 1394257 (VCV001394257.11), dbSNP rs587782864, ClinGen allele CA10595410.